The following is an entry in ClinVar:

ClinVar aggregate classification (germline): Uncertain significance. Review status: criteria provided, multiple submitters, no conflicts (2 of 4 stars). 3 submissions from 3 submitters: Uncertain significance (3). Last evaluated 2025-05-02.

Conditions:
Hereditary cancer-predisposing syndrome. Also called: Tumor predisposition; Hereditary Cancer Syndrome; Hereditary neoplastic syndrome; Neoplastic Syndromes, Hereditary. Identifiers: Orphanet 140162, MedGen C0027672, MeSH D009386, MONDO:0015356.
Hereditary nonpolyposis colorectal neoplasms. Identifiers: MedGen C0009405, MeSH D003123.

Submissions (3):

Ambry Genetics
Classification: Uncertain significance for Hereditary cancer-predisposing syndrome. Last evaluated: 2025-05-02. Review status: criteria provided, single submitter. Criteria: Ambry Variant Classification Scheme 2023. Collection method: clinical testing. Allele origin: germline.
Comment: The p.G409V variant (also known as c.1226G>T), located in coding exon 11 of the PMS2 gene, results from a G to T substitution at nucleotide position 1226. The glycine at codon 409 is replaced by valine, an amino acid with dissimilar properties. This amino acid position is not well conserved in available vertebrate species. In addition, this alteration is predicted to be tolerated by in silico analysis. Since supporting evidence is limited at this time, the clinical significance of this alteration remains unclear.

Color Diagnostics, LLC DBA Color Health
Classification: Uncertain significance for Hereditary cancer-predisposing syndrome. Last evaluated: 2024-03-06. Review status: criteria provided, single submitter. Criteria: ACMG Guidelines, 2015. Collection method: clinical testing. Allele origin: germline.
Comment: This missense variant replaces glycine with valine at codon 409 of the PMS2 protein. Computational prediction is inconclusive regarding the impact of this variant on protein structure and function (internally defined REVEL score threshold 0.5 < inconclusive < 0.7, PMID: 27666373). To our knowledge, functional studies have not been reported for this variant. This variant has not been reported in individuals affected with hereditary cancer in the literature. This variant has not been identified in the general population by the Genome Aggregation Database (gnomAD). The available evidence is insufficient to determine the role of this variant in disease conclusively. Therefore, this variant is classified as a Variant of Uncertain Significance.

Labcorp Genetics (formerly Invitae), Labcorp
Classification: Uncertain significance for Hereditary nonpolyposis colorectal neoplasms. Last evaluated: 2021-10-08. Review status: criteria provided, single submitter. Criteria: Invitae Variant Classification Sherloc (09022015). Collection method: clinical testing. Allele origin: germline.
Comment: ClinVar contains an entry for this variant (Variation ID: 486047). In summary, the available evidence is currently insufficient to determine the role of this variant in disease. Therefore, it has been classified as a Variant of Uncertain Significance. Algorithms developed to predict the effect of missense changes on protein structure and function (SIFT, PolyPhen-2, Align-GVGD) all suggest that this variant is likely to be tolerated. This variant has not been reported in the literature in individuals affected with PMS2-related conditions. This variant is not present in population databases (ExAC no frequency). This sequence change replaces glycine with valine at codon 409 of the PMS2 protein (p.Gly409Val). The glycine residue is weakly conserved and there is a moderate physicochemical difference between glycine and valine.

NM_000535.7(PMS2):c.1226G>T (p.Gly409Val)

Gene: PMS2 (PMS1 homolog 2, mismatch repair system component; minus strand). Cytogenetic location: 7p22.1.
Variant type: single nucleotide variant.
Coding change: c.1226G>T on transcript NM_000535.7 (MANE Select); coding-DNA position 1226, G replaced by T.
Protein change: p.Gly409Val; replaces glycine 409 with valine.
Molecular consequence: missense variant. On other transcripts: non-coding transcript variant (1).
Genome position (GRCh38, 1-based): chr7:5,987,539, C>A on the plus strand (G>T on the coding strand, the complement: PMS2 is on the minus strand). VCF-style: chr7-5987539-C-A. GRCh37 (hg19) VCF-style: chr7-6027170-C-A.
Other names: c.821G>T, p.Gly274Val (NM_001322003.2, NM_001322004.2, NM_001322005.2 and 1 more transcripts); c.1070G>T, p.Gly357Val (NM_001322006.2); c.908G>T, p.Gly303Val (NM_001322007.2, NM_001322008.2); c.665G>T, p.Gly222Val (NM_001322010.2); c.293G>T, p.Gly98Val (NM_001322011.2, NM_001322012.2); c.653G>T, p.Gly218Val (NM_001322013.2); c.1226G>T, p.Gly409Val (NM_001322014.2); c.917G>T, p.Gly306Val (NM_001322015.2); short protein forms G409V, G218V, G222V, G306V, G303V, G357V, G98V, G274V.
Identifiers: ClinVar variation 486047 (VCV000486047.16), dbSNP rs1554298002, ClinGen allele CA366742528.